The following is an entry in ClinVar:

ClinVar aggregate classification (germline): Uncertain significance (1 of 4 stars; one submission).

Conditions:
Glycine encephalopathy. Also called: Non-ketotic hyperglycinemia; Nonketotic hyperglycinemia. Identifiers: Orphanet 407, MedGen C0751748, MONDO:0011612, HP:0008288.

Submission:

Labcorp Genetics (formerly Invitae), Labcorp
Classification: Uncertain significance for Glycine encephalopathy. Last evaluated: 2022-02-04. Review status: criteria provided, single submitter. Criteria: Invitae Variant Classification Sherloc (09022015). Collection method: clinical testing. Allele origin: germline.
Comment: Variants that disrupt the consensus splice site are a relatively common cause of aberrant splicing (PMID: 17576681, 9536098). Algorithms developed to predict the effect of sequence changes on RNA splicing suggest that this variant may disrupt the consensus splice site. In summary, the available evidence is currently insufficient to determine the role of this variant in disease. Therefore, it has been classified as a Variant of Uncertain Significance. ClinVar contains an entry for this variant (Variation ID: 568708). This variant has not been reported in the literature in individuals affected with GLDC-related conditions. This variant is not present in population databases (gnomAD no frequency). This sequence change falls in intron 16 of the GLDC gene. It does not directly change the encoded amino acid sequence of the GLDC protein. It affects a nucleotide within the consensus splice site.

Literature cited by the submitters: PubMed 17576681; PubMed 9536098.

NM_000170.3(GLDC):c.1926+3G>T

Gene: GLDC (glycine decarboxylase; minus strand). Cytogenetic location: 9p24.1.
Variant type: single nucleotide variant.
Coding change: c.1926+3G>T on transcript NM_000170.3 (MANE Select); 3 bases into the intron after coding-DNA position 1926, G replaced by T.
Molecular consequence: intron variant.
Genome position (GRCh38, 1-based): chr9:6,565,351, C>A on the plus strand (G>T on the coding strand, the complement: GLDC is on the minus strand). VCF-style: chr9-6565351-C-A. GRCh37 (hg19) VCF-style: chr9-6565351-C-A.
Identifiers: ClinVar variation 568708 (VCV000568708.6), dbSNP rs1563839674, ClinGen allele CA891842581.